The following is an entry in ClinVar:

ClinVar aggregate classification (germline): Uncertain significance. Review status: criteria provided, single submitter (1 of 4 stars). 2 submissions from 2 submitters: Uncertain significance (1). 1 of the submissions does not count toward it. Last evaluated 2022-09-11.

Conditions:
Autosomal dominant hypocalcemia 1 (HYPOC1). Also called: HYPOCALCEMIA, FAMILIAL. Identifiers: MedGen C3715128, MONDO:0011013, OMIM 601198.
Familial hypocalciuric hypercalcemia (FHH). Also called: Familial benign hypercalcemia. Identifiers: Orphanet 405, MedGen C1809471, MONDO:0018458.
Familial hypocalciuric hypercalcemia 1. Also called: Hypercalcemia, familial benign type 1. Identifiers: Orphanet 405, Orphanet 93372, MedGen C0342637, MONDO:0007791, OMIM 145980.

Submissions (2):

Labcorp Genetics (formerly Invitae), Labcorp
Classification: Uncertain significance for Familial hypocalciuric hypercalcemia; Autosomal dominant hypocalcemia 1. Last evaluated: 2022-09-11. Review status: criteria provided, single submitter. Criteria: Invitae Variant Classification Sherloc (09022015). Collection method: clinical testing. Allele origin: germline.
Comment: In summary, the available evidence is currently insufficient to determine the role of this variant in disease. Therefore, it has been classified as a Variant of Uncertain Significance. Algorithms developed to predict the effect of missense changes on protein structure and function (SIFT, PolyPhen-2, Align-GVGD) all suggest that this variant is likely to be disruptive. This variant has not been reported in the literature in individuals affected with CASR-related conditions. This variant is not present in population databases (gnomAD no frequency). This sequence change replaces phenylalanine, which is neutral and non-polar, with cysteine, which is neutral and slightly polar, at codon 444 of the CASR protein (p.Phe444Cys).

Laboratorio de Genética, Hospital Universitario Reina Sofía
Classification: Likely pathogenic for Familial hypocalciuric hypercalcemia 1. Review status: no assertion criteria provided. Collection method: clinical testing. Allele origin: germline. Inheritance: Autosomal dominant inheritance. Affected: yes. Not counted in ClinVar's aggregate classification.
Comment: Variant was classified as likely pathogenic following ACMG criteria: PP4, PP3, PM2, PP2, PP1.

NM_000388.4(CASR):c.1331T>G (p.Phe444Cys)

Gene: CASR (calcium sensing receptor; plus strand). Cytogenetic location: 3q21.1.
Variant type: single nucleotide variant.
Coding change: c.1331T>G on transcript NM_000388.4 (MANE Select); coding-DNA position 1331, T replaced by G.
Protein change: p.Phe444Cys; replaces phenylalanine 444 with cysteine.
Molecular consequence: missense variant.
Genome position (GRCh38, 1-based): chr3:122,262,366, T>G. VCF-style: chr3-122262366-T-G. GRCh37 (hg19) VCF-style: chr3-121981213-T-G.
Other names: c.1331T>G, p.Phe444Cys (NM_001178065.2); short protein forms F444C.
Identifiers: ClinVar variation 1719256 (VCV001719256.7), dbSNP rs2473229204, ClinGen allele CA354153161.